The following is an entry in ClinVar:

ClinVar aggregate classification (germline): Uncertain significance. Review status: criteria provided, multiple submitters, no conflicts (2 of 4 stars). 2 submissions from 2 submitters: Uncertain significance (2). Last evaluated 2024-10-25.

Conditions:
Primary ciliary dyskinesia. Also called: Ciliary dyskinesia. Identifiers: Orphanet 244, MedGen C0008780, MONDO:0016575, HP:0012265.

Allele frequency attached by ClinVar (database versions not stated): gnomAD exomes below 0.00001; gnomAD 0.00001.
gnomAD v4.1: 5 of 1,136,892 alleles (0.00044%); highest among the groups gnomAD compares: South Asian, 0.0078%; no homozygotes.

Submissions (2):

Blueprint Genetics
Classification: Uncertain significance. Last evaluated: 2024-10-25. Review status: criteria provided, single submitter. Criteria: ACMG Guidelines, 2015. Collection method: clinical testing. Allele origin: germline.

Labcorp Genetics (formerly Invitae), Labcorp
Classification: Uncertain significance for Primary ciliary dyskinesia. Last evaluated: 2022-06-27. Review status: criteria provided, single submitter. Criteria: Invitae Variant Classification Sherloc (09022015). Collection method: clinical testing. Allele origin: germline.
Comment: In summary, the available evidence is currently insufficient to determine the role of this variant in disease. Therefore, it has been classified as a Variant of Uncertain Significance. Experimental studies and prediction algorithms are not available or were not evaluated, and the functional significance of this variant is currently unknown. This variant has not been reported in the literature in individuals affected with RPGR (ORF15)-related conditions. The frequency data for this variant in the population databases is considered unreliable, as metrics indicate poor data quality at this position in the gnomAD database. This sequence change replaces histidine, which is basic and polar, with tyrosine, which is neutral and polar, at codon 735 of the RPGR (ORF15) protein (p.His735Tyr).

NM_001034853.2(RPGR):c.2203C>T (p.His735Tyr)

Gene: RPGR (retinitis pigmentosa GTPase regulator; minus strand). Cytogenetic location: Xp11.4.
Variant type: single nucleotide variant.
Coding change: c.2203C>T on transcript NM_001034853.2 (MANE Select); coding-DNA position 2203, C replaced by T.
Protein change: p.His735Tyr; replaces histidine 735 with tyrosine.
Molecular consequence: missense variant. On other transcripts: intron variant (8).
Genome position (GRCh38, 1-based): chrX:38,286,796, G>A on the plus strand (C>T on the coding strand, the complement: RPGR is on the minus strand). VCF-style: chrX-38286796-G-A. GRCh37 (hg19) VCF-style: chrX-38146049-G-A.
Other names: c.1569+4163C>T (NM_001367249.1, NM_001367250.1); c.1902+298C>T (NM_001367245.1); c.1386+4163C>T (NM_001367251.1); c.1719+298C>T (NM_001367246.1); c.1572+4163C>T (NM_001367247.1); c.1905+298C>T (NM_000328.3); c.1602+4163C>T (NM_001367248.1); short protein forms H735Y.
Identifiers: ClinVar variation 1909284 (VCV001909284.6), dbSNP rs1418355872, ClinGen allele CA412731200.